The following is an entry in ClinVar:

ClinVar aggregate classification (germline): Benign/Likely benign. Review status: criteria provided, multiple submitters, no conflicts (2 of 4 stars). 7 submissions from 7 submitters: Benign (4); Likely benign (3). Last evaluated 2026-01-27.

Conditions:
Spastic paraplegia. Identifiers: MedGen C0037772, HP:0001258.
Hereditary spastic paraplegia 15 (SPG15). Also called: KJELLIN SYNDROME; SPASTIC PARAPLEGIA AND RETINAL DEGENERATION; SPASTIC PARAPLEGIA 15, AUTOSOMAL RECESSIVE. Identifiers: Orphanet 100996, MedGen C1849128, MONDO:0010044, OMIM 270700.
Hereditary spastic paraplegia. Also called: Familial spastic paraparesis. Identifiers: Orphanet 685, MedGen C0037773, MONDO:0019064. Disease mechanism: loss of function.

Allele frequency attached by ClinVar (database versions not stated): TOPMed 0.00190; 1000 Genomes Project 0.00479; 1000 Genomes Project 30x 0.00484.
gnomAD v4.1: 2,171 of 1,614,144 alleles (0.13%); highest among the groups gnomAD compares: Admixed American, 2%; 27 homozygotes.

Submissions (7):

Labcorp Genetics (formerly Invitae), Labcorp
Classification: Benign for Spastic paraplegia. Last evaluated: 2026-01-27. Review status: criteria provided, single submitter. Criteria: Invitae Variant Classification Sherloc (09022015). Collection method: clinical testing. Allele origin: germline.

Genome-Nilou Lab
Classification: Benign for Hereditary spastic paraplegia 15. Last evaluated: 2021-12-05. Review status: criteria provided, single submitter. Criteria: ACMG Guidelines, 2015. Collection method: clinical testing. Allele origin: germline. Affected: no.

Genome Diagnostics Laboratory, The Hospital for Sick Children
Classification: Likely benign for Hereditary spastic paraplegia. Last evaluated: 2021-06-13. Review status: criteria provided, single submitter. Criteria: ACMG Guidelines, 2015. Collection method: clinical testing. Allele origin: germline. Affected: yes.

Mayo Clinic Laboratories, Mayo Clinic
Classification: Benign. Last evaluated: 2019-03-20. Review status: criteria provided, single submitter. Criteria: ACMG Guidelines, 2015. Collection method: clinical testing. Allele origin: germline. Observed: 1 variant allele.

Illumina Laboratory Services, Illumina
Classification: Likely benign for Hereditary spastic paraplegia 15. Last evaluated: 2017-04-27. Review status: criteria provided, single submitter. Criteria: ICSL Variant Classification Criteria 13 December 2019. Collection method: clinical testing. Allele origin: germline.
Comment: This variant was observed as part of a predisposition screen in an ostensibly healthy population. A literature search was performed for the gene, cDNA change, and amino acid change (where applicable). No publications were found based on this search. Allele frequency data from public databases allowed determination this variant is unlikely to cause disease. Therefore, this variant is classified as likely benign.

GeneDx
Classification: Benign. Last evaluated: 2016-08-26. Review status: criteria provided, single submitter. Criteria: GeneDx Variant Classification (06012015). Collection method: clinical testing. Allele origin: germline. Affected: yes.
Comment: This variant is considered likely benign or benign based on one or more of the following criteria: it is a conservative change, it occurs at a poorly conserved position in the protein, it is predicted to be benign by multiple in silico algorithms, and/or has population frequency not consistent with disease.

Breakthrough Genomics
Classification: Likely benign. Review status: criteria provided, single submitter. Criteria: ACMG Guidelines, 2015. Collection method: not provided. Allele origin: germline. Inheritance: Autosomal recessive inheritance. Affected: yes.

NM_015346.4(ZFYVE26):c.3210C>T (p.Pro1070=)

Gene: ZFYVE26 (zinc finger FYVE-type containing 26; minus strand). Cytogenetic location: 14q24.1.
Variant type: single nucleotide variant.
Coding change: c.3210C>T on transcript NM_015346.4 (MANE Select); coding-DNA position 3210, C replaced by T.
Protein change: p.Pro1070=; no amino-acid change (proline 1070 retained).
Molecular consequence: synonymous variant.
Genome position (GRCh38, 1-based): chr14:67,785,952, G>A on the plus strand (C>T on the coding strand, the complement: ZFYVE26 is on the minus strand). VCF-style: chr14-67785952-G-A. GRCh37 (hg19) VCF-style: chr14-68252669-G-A.
Other names: p.Pro1070=.
Identifiers: ClinVar variation 385570 (VCV000385570.21), dbSNP rs7156492, ClinGen allele CA7240052.